The following is an entry in ClinVar:

NM_000260.4(MYO7A):c.6013A>G (p.Lys2005Glu)

Gene: MYO7A (myosin VIIA; plus strand). Cytogenetic location: 11q13.5.
Variant type: single nucleotide variant.
Coding change: c.6013A>G on transcript NM_000260.4 (MANE Select); coding-DNA position 6013, A replaced by G.
Protein change: p.Lys2005Glu; replaces lysine 2005 with glutamic acid.
Molecular consequence: missense variant.
Genome position (GRCh38, 1-based): chr11:77,208,765, A>G. VCF-style: chr11-77208765-A-G. GRCh37 (hg19) VCF-style: chr11-76919810-A-G.
Other names: c.5899A>G, p.Lys1967Glu (NM_001127180.2); c.5866A>G, p.Lys1956Glu (NM_001369365.1); short protein forms K2005E, K1956E, K1967E.
Identifiers: ClinVar variation 43311 (VCV000043311.20), dbSNP rs186644871, ClinGen allele CA132412.
Genomic context (GRCh38, chr11:77,208,765, plus strand): 5'-CCCTCACTCACCTACCAGGTGTTCTTCATGAAGAAGCTGTGGACCACCACGGTGCCAGGG[A>G]AGGATCCCATGGCCGATTCCATCTTCCACTATTACCAGGTGGGCACCTCTGCACTCTAGT-3'
Protein context (NP_000251.3, residues 1995-2015): KKLWTTTVPG[Lys2005Glu]DPMADSIFHY

ClinVar aggregate classification (germline): Conflicting classifications of pathogenicity. Review status: criteria provided, conflicting classifications (1 of 4 stars). 5 submissions from 5 submitters: Uncertain significance (1); Likely benign (3). 1 of the submissions does not count toward it. Last evaluated 2025-12-22.

Conditions:
MYO7A-related disorder. Also called: MYO7A-related disorders.
Autosomal dominant nonsyndromic hearing loss 11. Identifiers: Orphanet 90635, MedGen C1832475, MONDO:0011032, OMIM 601317.

Allele frequency attached by ClinVar (database versions not stated): gnomAD exomes 0.00008 and 0.00030; ExAC 0.00027; gnomAD 0.00031 and 0.00035; TOPMed 0.00042; 1000 Genomes Project 30x 0.00094; 1000 Genomes Project 0.00100.
gnomAD v4.1: 157 of 1,579,400 alleles (0.0099%); highest among the groups gnomAD compares: Admixed American, 0.28%; 1 homozygote.

Submissions (5):

Labcorp Genetics (formerly Invitae), Labcorp
Classification: Likely benign. Last evaluated: 2025-12-22. Review status: criteria provided, single submitter. Criteria: Invitae Variant Classification Sherloc (09022015). Collection method: clinical testing. Allele origin: germline.

GeneDx
Classification: Likely benign. Last evaluated: 2020-08-12. Review status: criteria provided, single submitter. Criteria: GeneDx Variant Classification Process June 2021. Collection method: clinical testing. Allele origin: germline. Affected: yes.

Baylor Genetics
Classification: Uncertain significance for Autosomal dominant nonsyndromic hearing loss 11. Last evaluated: 2018-01-30. Review status: criteria provided, single submitter. Criteria: ACMG Guidelines, 2015. Collection method: clinical testing. Allele origin: maternal. Affected: yes.
Comment: This variant was determined to be of uncertain significance according to ACMG Guidelines, 2015 [PMID:25741868].

Laboratory for Molecular Medicine, Mass General Brigham Personalized Medicine
Classification: Likely benign. Last evaluated: 2016-05-10. Review status: criteria provided, single submitter. Criteria: LMM Criteria. Collection method: clinical testing. Allele origin: germline. Observed: 3 variant alleles.
Comment: p.Lys2005Glu in exon 44 of MYO7A: This variant is not expected to have clinical significance because it has been identified in 0.65% (9/1386) of Latino chromoso mes by the Exome Aggregation Consortium (ExAC; d bSNP rs186644871).

PreventionGenetics, part of Exact Sciences
Classification: Likely benign for MYO7A-related condition. Last evaluated: 2023-09-22. Review status: no assertion criteria provided. Collection method: clinical testing. Allele origin: germline. Not counted in ClinVar's aggregate classification.
Comment: This variant is classified as likely benign based on ACMG/AMP sequence variant interpretation guidelines (Richards et al. 2015 PMID: 25741868, with internal and published modifications).